The following is an entry in ClinVar:

ClinVar aggregate classification (germline): Uncertain significance. Review status: criteria provided, single submitter (1 of 4 stars). 2 submissions from 2 submitters: Uncertain significance (1). 1 of the submissions does not count toward it. Last evaluated 2017-05-18.

Conditions:
SLC10A1-related disorder. Also called: SLC10A1-related condition.

Allele frequency attached by ClinVar (database versions not stated): gnomAD 0.00004 and 0.00005; ExAC 0.00007; gnomAD exomes 0.00008; TOPMed 0.00008; 1000 Genomes Project 30x 0.00031; 1000 Genomes Project 0.00040.
gnomAD v4.1: 92 of 1,614,152 alleles (0.0057%); highest among the groups gnomAD compares: Middle Eastern, 0.049%; no homozygotes.

Submissions (2):

Eurofins Ntd Llc (ga)
Classification: Uncertain significance. Last evaluated: 2017-05-18. Review status: criteria provided, single submitter. Criteria: EGL Classification Definitions 2015. Collection method: clinical testing. Allele origin: germline. Observed: 1 variant allele, 1 heterozygote.

PreventionGenetics, part of Exact Sciences
Classification: Uncertain significance for SLC10A1-related condition. Last evaluated: 2024-07-03. Review status: no assertion criteria provided. Collection method: clinical testing. Allele origin: germline. Not counted in ClinVar's aggregate classification.
Comment: The SLC10A1 c.85G>A variant is predicted to result in the amino acid substitution p.Val29Ile. To our knowledge, this variant has not been reported in the literature. This variant is reported in 0.025% of alleles in individuals of Latino descent in gnomAD. At this time, the clinical significance of this variant is uncertain due to the absence of conclusive functional and genetic evidence.

NM_003049.4(SLC10A1):c.85G>A (p.Val29Ile)

Gene: SLC10A1 (solute carrier family 10 member 1; minus strand). Cytogenetic location: 14q24.1.
Variant type: single nucleotide variant.
Coding change: c.85G>A on transcript NM_003049.4 (MANE Select); coding-DNA position 85, G replaced by A.
Protein change: p.Val29Ile; replaces valine 29 with isoleucine.
Molecular consequence: missense variant.
Genome position (GRCh38, 1-based): chr14:69,797,071, C>T on the plus strand (G>A on the coding strand, the complement: SLC10A1 is on the minus strand). VCF-style: chr14-69797071-C-T. GRCh37 (hg19) VCF-style: chr14-70263788-C-T.
Other names: c.85G>A (NM_003049.3); short protein forms V29I.
Identifiers: ClinVar variation 502037 (VCV000502037.7), dbSNP rs148905100, ClinGen allele CA7246288.
Genomic context (GRCh38, chr14:69,797,071, plus strand): 5'-TGAACTCCATGGTGCAGCCCAGCGAGAGCATGATGAAGAACAACATGAACACCAGGATGA[C>T]GCTCAGTGCCAGGTCTGTGGGGCGCTTGCCAAAGTTGGGTGGCAGGGTGAAGTTGAATGG-3'
Protein context (NP_003040.1, residues 19-39): GKRPTDLALS[Val29Ile]ILVFMLFFIM